The following is an entry in ClinVar:

NM_001165963.4(SCN1A):c.5675G>T (p.Arg1892Leu)

Genes: SCN1A (sodium voltage-gated channel alpha subunit 1; minus strand), LOC102724058 (uncharacterized LOC102724058; plus strand). Cytogenetic location: 2q24.3.
Variant type: single nucleotide variant.
Coding change: c.5675G>T on transcript NM_001165963.4 (MANE Select); coding-DNA position 5675, G replaced by T.
Protein change: p.Arg1892Leu; replaces arginine 1892 with leucine.
Molecular consequence: missense variant. On other transcripts: non-coding transcript variant (1).
Genome position (GRCh38, 1-based): chr2:165,991,600, C>A on the plus strand (G>T on the coding strand, the complement: SCN1A is on the minus strand). VCF-style: chr2-165991600-C-A. GRCh37 (hg19) VCF-style: chr2-166848110-C-A.
Other names: c.5591G>T, p.Arg1864Leu (NM_001165964.3, NM_001353957.2, NM_001353958.2); c.5675G>T, p.Arg1892Leu (NM_001202435.3, NM_001353948.2); c.5642G>T, p.Arg1881Leu (NM_001353949.2, NM_001353950.2, NM_001353951.2 and 2 more transcripts); c.5639G>T, p.Arg1880Leu (NM_001353954.2, NM_001353955.2); c.5588G>T, p.Arg1863Leu (NM_001353960.2); c.3233G>T, p.Arg1078Leu (NM_001353961.2); short protein forms R1078L, R1863L, R1864L, R1880L, R1881L, R1892L.
Identifiers: ClinVar variation 1474419 (VCV001474419.7), dbSNP rs2105424575, ClinGen allele CA349064864.

ClinVar aggregate classification (germline): Uncertain significance (1 of 4 stars; one submission).

Conditions:
Early-infantile DEE. Also called: Early infantile epileptic encephalopathy with suppression bursts; Early infantile epileptic encephalopathy; Ohtahara syndrome. Identifiers: Orphanet 1934, MedGen C0393706, MONDO:0800491.

Submission:

Labcorp Genetics (formerly Invitae), Labcorp
Classification: Uncertain significance for Early-infantile DEE. Last evaluated: 2022-07-12. Review status: criteria provided, single submitter. Criteria: Invitae Variant Classification Sherloc (09022015). Collection method: clinical testing. Allele origin: germline.
Comment: In summary, the available evidence is currently insufficient to determine the role of this variant in disease. Therefore, it has been classified as a Variant of Uncertain Significance. Advanced modeling of protein sequence and biophysical properties (such as structural, functional, and spatial information, amino acid conservation, physicochemical variation, residue mobility, and thermodynamic stability) performed at Invitae indicates that this missense variant is expected to disrupt SCN1A protein function. ClinVar contains an entry for this variant (Variation ID: 1474419). This variant has not been reported in the literature in individuals affected with SCN1A-related conditions. This variant is not present in population databases (gnomAD no frequency). This sequence change replaces arginine, which is basic and polar, with leucine, which is neutral and non-polar, at codon 1892 of the SCN1A protein (p.Arg1892Leu).